The following is an entry in ClinVar:

NM_000548.5(TSC2):c.5176C>G (p.His1726Asp)

Gene: TSC2 (TSC complex subunit 2; plus strand). Cytogenetic location: 16p13.3.
Variant type: single nucleotide variant.
Coding change: c.5176C>G on transcript NM_000548.5 (MANE Select); coding-DNA position 5176, C replaced by G.
Protein change: p.His1726Asp; replaces histidine 1726 with aspartic acid.
Molecular consequence: missense variant.
Genome position (GRCh38, 1-based): chr16:2,088,242, C>G. VCF-style: chr16-2088242-C-G. GRCh37 (hg19) VCF-style: chr16-2138243-C-G.
Other names: c.4975C>G, p.His1659Asp (NM_001077183.3); c.5107C>G, p.His1703Asp (NM_001114382.3); c.4867C>G, p.His1623Asp (NM_001318827.2); c.4831C>G, p.His1611Asp (NM_001318829.2); c.4444C>G, p.His1482Asp (NM_001318831.2); c.5008C>G, p.His1670Asp (NM_001318832.2); c.4978C>G, p.His1660Asp (NM_001363528.2); c.5044C>G, p.His1682Asp (NM_001370404.1); and 2 more; short protein forms H1703D, H1726D, H1482D, H1611D, H1623D, H1659D, H1660D, H1670D.
Identifiers: ClinVar variation 1007270 (VCV001007270.8), dbSNP rs761618860, ClinGen allele CA394314042.

ClinVar aggregate classification (germline): Uncertain significance (1 of 4 stars; one submission).

Conditions:
Tuberous sclerosis 2 (TSC2). Identifiers: Orphanet 805, MedGen C1860707, MONDO:0013199, OMIM 613254.

Submission:

Labcorp Genetics (formerly Invitae), Labcorp
Classification: Uncertain significance for Tuberous sclerosis 2. Last evaluated: 2022-08-10. Review status: criteria provided, single submitter. Criteria: Invitae Variant Classification Sherloc (09022015). Collection method: clinical testing. Allele origin: germline.
Comment: In summary, the available evidence is currently insufficient to determine the role of this variant in disease. Therefore, it has been classified as a Variant of Uncertain Significance. Advanced modeling of protein sequence and biophysical properties (such as structural, functional, and spatial information, amino acid conservation, physicochemical variation, residue mobility, and thermodynamic stability) performed at Invitae indicates that this missense variant is not expected to disrupt TSC2 protein function. ClinVar contains an entry for this variant (Variation ID: 1007270). This variant has not been reported in the literature in individuals affected with TSC2-related conditions. This variant is not present in population databases (gnomAD no frequency). This sequence change replaces histidine, which is basic and polar, with aspartic acid, which is acidic and polar, at codon 1726 of the TSC2 protein (p.His1726Asp).